The following is an entry in ClinVar:

ClinVar aggregate classification (germline): Likely benign. Review status: criteria provided, multiple submitters, no conflicts (2 of 4 stars). 2 submissions from 2 submitters: Likely benign (2). Last evaluated 2026-07-01.

gnomAD v4.1: 30 of 1,614,044 alleles (0.0019%); highest among the groups gnomAD compares: East Asian, 0.058%; no homozygotes.

Submissions (2):

CeGaT Center for Human Genetics Tuebingen
Classification: Likely benign. Last evaluated: 2026-07-01. Review status: criteria provided, single submitter. Criteria: CeGaT Center For Human Genetics Tuebingen Variant Classification Criteria Version 2. Collection method: clinical testing. Allele origin: germline. Affected: yes. Observed: 1 variant allele.
Comment: ARHGEF10: BP4, BP7

Blueprint Genetics
Classification: Likely benign. Last evaluated: 2024-05-30. Review status: criteria provided, single submitter. Criteria: ACMG Guidelines, 2015. Collection method: clinical testing. Allele origin: germline.

NM_014629.4(ARHGEF10):c.1602G>C (p.Leu534=)

Gene: ARHGEF10 (Rho guanine nucleotide exchange factor 10; plus strand). Cytogenetic location: 8p23.3.
Variant type: single nucleotide variant.
Coding change: c.1602G>C on transcript NM_014629.4 (MANE Select); coding-DNA position 1602, G replaced by C.
Protein change: p.Leu534=; no amino-acid change (leucine 534 retained).
Molecular consequence: synonymous variant.
Genome position (GRCh38, 1-based): chr8:1,898,477, G>C. VCF-style: chr8-1898477-G-C. GRCh37 (hg19) VCF-style: chr8-1846643-G-C.
Other names: c.1485G>C, p.Leu495= (NM_001438092.1, NM_001438093.1); c.1488G>C, p.Leu496= (NM_001438094.1, NM_001308152.2); c.1602G>C, p.Leu534= (NM_001308153.3); c.1605G>C, p.Leu535= (NM_001438091.1).
Identifiers: ClinVar variation 4898795 (VCV004898795.2).